The following is an entry in ClinVar:

ClinVar aggregate classification (germline): Uncertain significance. Review status: criteria provided, multiple submitters, no conflicts (2 of 4 stars). 2 submissions from 2 submitters: Uncertain significance (2). Last evaluated 2023-12-05.

Conditions:
Hereditary breast ovarian cancer syndrome. Also called: Hereditary breast and/or ovarian cancer syndrome; BRCA1- and BRCA2-Associated Hereditary Breast and Ovarian Cancer; Hereditary breast and ovarian cancer syndrome; Hereditary breast and ovarian cancer; Hereditary breast and ovarian cancer syndrome (HBOC); Breast and ovarian cancer. Identifiers: Orphanet 145, MedGen C0677776, MeSH D061325, MONDO:0003582. Disease mechanism: loss of function.
Hereditary cancer-predisposing syndrome. Also called: Neoplastic Syndromes, Hereditary; Tumor predisposition; Hereditary Cancer Syndrome; Hereditary neoplastic syndrome. Identifiers: Orphanet 140162, MedGen C0027672, MeSH D009386, MONDO:0015356.

Submissions (2):

Labcorp Genetics (formerly Invitae), Labcorp
Classification: Uncertain significance for Hereditary breast ovarian cancer syndrome. Last evaluated: 2023-12-05. Review status: criteria provided, single submitter. Criteria: Invitae Variant Classification Sherloc (09022015). Collection method: clinical testing. Allele origin: germline.
Comment: This variant, c.2039_2041del, results in the deletion of 1 amino acid(s) of the BRCA1 protein (p.Lys680del), but otherwise preserves the integrity of the reading frame. This variant is not present in population databases (gnomAD no frequency). This variant has been observed in individual(s) with colorectal cancer (PMID: 28135145). This variant is also known as c.2158del3 (p.K680del). ClinVar contains an entry for this variant (Variation ID: 820571). Experimental studies and prediction algorithms are not available or were not evaluated, and the functional significance of this variant is currently unknown. In summary, the available evidence is currently insufficient to determine the role of this variant in disease. Therefore, it has been classified as a Variant of Uncertain Significance.

Ambry Genetics
Classification: Uncertain significance for Hereditary cancer-predisposing syndrome. Last evaluated: 2018-05-09. Review status: criteria provided, single submitter. Criteria: Ambry Variant Classification Scheme 2023. Collection method: clinical testing. Allele origin: germline.
Comment: The c.2039_2041delAGA variant (also known as p.K680del) is located in coding exon 9 of the BRCA1 gene. This variant results from an in-frame AGA deletion at nucleotide positions 2039 to 2041. This results in the in-frame deletion of a lysine at codon 680. This amino acid position is well conserved in available vertebrate species. Since supporting evidence is limited at this time, the clinical significance of this alteration remains unclear.

Literature cited by the submitters: PubMed 28135145 (cited by Labcorp Genetics (formerly Invitae), Labcorp).

NM_007294.4(BRCA1):c.2036AGA[1] (p.Lys680del)

Gene: BRCA1 (BRCA1 DNA repair associated; minus strand). Cytogenetic location: 17q21.31.
Variant type: Microsatellite.
Coding change: c.2036AGA[1] on transcript NM_007294.4 (MANE Select); one copy of the 3-base unit AGA starting at c.2036; the reference has two copies in a row; one copy, 3 bases deleted; also written c.2039_2041del.
Protein change: p.Lys680del; deletes lysine 680.
Molecular consequence: inframe deletion. On other transcripts: intron variant (137), inframe indel (2).
Genome position (GRCh38, 1-based): chr17:43,093,490-43,093,492, TCT deleted on the plus strand (AGA on the coding strand, the reverse complement: BRCA1 is on the minus strand); deleting any 3 consecutive bases within chr17:43,093,490-43,093,496 gives the same sequence; the position shown is the placement nearest the transcript's 3' end. VCF-style (leftmost placement, unchanged base first): chr17-43093489-CTCT-C. GRCh37 (hg19) VCF-style: chr17-41245506-CTCT-C.
Other names: c.646+1252_646+1254del (NM_001408454.1, NM_001408456.1, NM_001408410.1 and 11 more transcripts); c.574+1252_574+1254del (NM_001408490.1, NM_001408493.1, NM_001408491.1); c.709+1252_709+1254del (NM_001408409.1, NM_001408414.1, NM_001408411.1 and 2 more transcripts); c.454+1252_454+1254del (NM_001408502.1); c.1895AGA[1], p.Lys633del (NM_001407724.1, NM_001407730.1, NM_001407725.1 and 29 more transcripts); c.706+1252_706+1254del (NM_001408413.1, NM_001408416.1); c.586+1252_586+1254del (NM_001408476.1, NM_001408474.1); c.2039_2041del (NM_007294.3); and 42 more; short protein forms K633del, K680del, K591del, K612del, K677del, K679del, K568del, K592del.
Identifiers: ClinVar variation 820571 (VCV000820571.15), dbSNP rs1597872534, ClinGen allele CA915950113.